The following is an entry in ClinVar:

NM_007194.4(CHEK2):c.1436A>G (p.Glu479Gly)

Gene: CHEK2 (checkpoint kinase 2; minus strand). Cytogenetic location: 22q12.1.
Variant type: single nucleotide variant.
Coding change: c.1436A>G on transcript NM_007194.4 (MANE Select); coding-DNA position 1436, A replaced by G.
Protein change: p.Glu479Gly; replaces glutamic acid 479 with glycine.
Molecular consequence: missense variant.
Genome position (GRCh38, 1-based): chr22:28,694,057, T>C on the plus strand (A>G on the coding strand, the complement: CHEK2 is on the minus strand). VCF-style: chr22-28694057-T-C. GRCh37 (hg19) VCF-style: chr22-29090045-T-C.
Other names: c.1565A>G, p.Glu522Gly (NM_001005735.3); c.773A>G, p.Glu258Gly (NM_001257387.3); c.1235A>G, p.Glu412Gly (NM_001349956.3); c.1349A>G, p.Glu450Gly (NM_145862.3); short protein forms E412G, E450G, E258G, E479G, E522G.
Identifiers: ClinVar variation 1772620 (VCV001772620.8), dbSNP rs1464731405, ClinGen allele CA411094158.

ClinVar aggregate classification (germline): Uncertain significance. Review status: criteria provided, multiple submitters, no conflicts (2 of 4 stars). 2 submissions from 2 submitters: Uncertain significance (2). Last evaluated 2026-01-19.

Conditions:
Hereditary cancer-predisposing syndrome. Also called: Hereditary Cancer Syndrome; Hereditary neoplastic syndrome; Neoplastic Syndromes, Hereditary; Tumor predisposition. Identifiers: Orphanet 140162, MedGen C0027672, MeSH D009386, MONDO:0015356.
Familial cancer of breast. Also called: BREAST CANCER, FAMILIAL; Hereditary breast cancer; hereditary breast carcinoma. Identifiers: Orphanet 227535, MedGen C0346153, MONDO:0016419, OMIM 114480. Disease mechanism: loss of function.

Submissions (2):

Labcorp Genetics (formerly Invitae), Labcorp
Classification: Uncertain significance for Familial cancer of breast. Last evaluated: 2026-01-19. Review status: criteria provided, single submitter. Criteria: Invitae Variant Classification Sherloc (09022015). Collection method: clinical testing. Allele origin: germline.
Comment: This sequence change replaces glutamic acid, which is acidic and polar, with glycine, which is neutral and non-polar, at codon 479 of the CHEK2 protein (p.Glu479Gly). This variant is not present in population databases (gnomAD no frequency). This variant has not been reported in the literature in individuals affected with CHEK2-related conditions. ClinVar contains an entry for this variant (Variation ID: 1772620). An algorithm developed to predict the effect of missense changes on protein structure and function (PolyPhen-2) suggests that this variant is likely to be tolerated. In summary, the available evidence is currently insufficient to determine the role of this variant in disease. Therefore, it has been classified as a Variant of Uncertain Significance.

Ambry Genetics
Classification: Uncertain significance for Hereditary cancer-predisposing syndrome. Last evaluated: 2025-06-06. Review status: criteria provided, single submitter. Criteria: Ambry Variant Classification Scheme 2023. Collection method: clinical testing. Allele origin: germline.
Comment: The p.E479G variant (also known as c.1436A>G), located in coding exon 12 of the CHEK2 gene, results from an A to G substitution at nucleotide position 1436. The glutamic acid at codon 479 is replaced by glycine, an amino acid with similar properties. This amino acid position is not well conserved in available vertebrate species. In addition, the in silico prediction for this alteration is inconclusive. Since supporting evidence is limited at this time, the clinical significance of this alteration remains unclear.